The following is an entry in ClinVar:

NM_130398.4(EXO1):c.1316C>T (p.Thr439Met)

Gene: EXO1 (exonuclease 1; plus strand). Cytogenetic location: 1q43.
Variant type: single nucleotide variant.
Coding change: c.1316C>T on transcript NM_130398.4 (MANE Select); coding-DNA position 1316, C replaced by T.
Protein change: p.Thr439Met; replaces threonine 439 with methionine.
Molecular consequence: missense variant.
Genome position (GRCh38, 1-based): chr1:241,872,080, C>T. VCF-style: chr1-241872080-C-T. GRCh37 (hg19) VCF-style: chr1-242035382-C-T.
Other names: c.1313C>T, p.Thr438Met (NM_001319224.2); c.1316C>T, p.Thr439Met (NM_003686.4, NM_006027.4); short protein forms T438M, T439M.
Identifiers: ClinVar variation 3059408 (VCV003059408.2), dbSNP rs4149963, ClinGen allele CA1481324.
Genomic context (GRCh38, chr1:241,872,080, plus strand): 5'-GTTTTTATTTAGCAGAGCTGTCAGAAGATGACCTGTTGAGTCAGTATTCTCTTTCATTTA[C>T]GAAGAAGACCAAGAAAAATAGCTCTGAAGGCAATAAATCATTGAGCTTTTCTGAAGTGTT-3'
Protein context (NP_569082.2, residues 429-449): DLLSQYSLSF[Thr439Met]KKTKKNSSEG

ClinVar aggregate classification (germline): Benign (0 of 4 stars; one submission).

Conditions:
EXO1-related disorder. Also called: EXO1-related condition.

Allele frequency attached by ClinVar (database versions not stated): ESP Exome Variant Server 0.05728; gnomAD 0.07783; TOPMed 0.08315; 1000 Genomes Project 30x 0.08479; 1000 Genomes Project 0.08546; gnomAD exomes 0.08639; ExAC 0.10322.
gnomAD v4.1: 137,456 of 1,612,702 alleles (8.5%); highest among the groups gnomAD compares: Admixed American, 27%; 7,709 homozygotes.

Submission:

PreventionGenetics, part of Exact Sciences
Classification: Benign for EXO1-related condition. Last evaluated: 2019-11-04. Review status: no assertion criteria provided. Collection method: clinical testing. Allele origin: germline.
Comment: This variant is classified as benign based on ACMG/AMP sequence variant interpretation guidelines (Richards et al. 2015 PMID: 25741868, with internal and published modifications).